The following is an entry in ClinVar:

ClinVar aggregate classification (germline): Benign/Likely benign. Review status: criteria provided, multiple submitters, no conflicts (2 of 4 stars). 9 submissions from 9 submitters: Benign (8); Likely benign (1). Last evaluated 2026-02-04.

Conditions:
Primary ciliary dyskinesia 14. Also called: CILIARY DYSKINESIA, PRIMARY, 14, WITH OR WITHOUT SITUS INVERSUS. Identifiers: Orphanet 244, MedGen C3151136, MONDO:0013434, OMIM 613807.
Primary ciliary dyskinesia. Also called: Ciliary dyskinesia. Identifiers: Orphanet 244, MedGen C0008780, MONDO:0016575, HP:0012265.

Allele frequency attached by ClinVar (database versions not stated): gnomAD exomes 0.06273; ExAC 0.06912; gnomAD 0.13734 and 0.14399; ESP Exome Variant Server 0.14628; TOPMed 0.15436; 1000 Genomes Project 0.15635; 1000 Genomes Project 30x 0.16537.
gnomAD v4.1: 93,689 of 1,612,916 alleles (5.8%); highest among the groups gnomAD compares: African/African-American, 39%; 7,512 homozygotes.

Submissions (9):

Labcorp Genetics (formerly Invitae), Labcorp
Classification: Benign for Primary ciliary dyskinesia. Last evaluated: 2026-02-04. Review status: criteria provided, single submitter. Criteria: Invitae Variant Classification Sherloc (09022015). Collection method: clinical testing. Allele origin: germline.

Blueprint Genetics
Classification: Likely benign. Last evaluated: 2024-11-26. Review status: criteria provided, single submitter. Criteria: ACMG Guidelines, 2015. Collection method: clinical testing. Allele origin: germline.

Mayo Clinic Laboratories, Mayo Clinic
Classification: Benign. Last evaluated: 2023-01-15. Review status: criteria provided, single submitter. Criteria: ACMG Guidelines, 2015. Collection method: clinical testing. Allele origin: germline. Observed: 25 variant alleles.

GeneDx
Classification: Benign. Last evaluated: 2019-02-21. Review status: criteria provided, single submitter. Criteria: GeneDx Variant Classification Process June 2021. Collection method: clinical testing. Allele origin: germline. Affected: yes.

Illumina Laboratory Services, Illumina
Classification: Benign for Primary ciliary dyskinesia 14. Last evaluated: 2018-01-13. Review status: criteria provided, single submitter. Criteria: ICSL Variant Classification Criteria 13 December 2019. Collection method: clinical testing. Allele origin: germline.
Comment: This variant was observed in the ICSL laboratory as part of a predisposition screen in an ostensibly healthy population. It had not been previously curated by ICSL or reported in the Human Gene Mutation Database (HGMD: prior to June 1st, 2018), and was therefore a candidate for classification through an automated scoring system. Utilizing variant allele frequency, disease prevalence and penetrance estimates, and inheritance mode, an automated score was calculated to assess if this variant is too frequent to cause the disease. Based on the score and internal cut-off values, a variant classified as benign is not then subjected to further curation. The score for this variant resulted in a classification of benign for this disease.

Ambry Genetics
Classification: Benign for Primary ciliary dyskinesia. Last evaluated: 2016-07-08. Review status: criteria provided, single submitter. Criteria: Ambry Variant Classification Scheme 2023. Collection method: clinical testing. Allele origin: germline.

Laboratory for Molecular Medicine, Mass General Brigham Personalized Medicine
Classification: Benign. Last evaluated: 2013-02-21. Review status: criteria provided, single submitter. Criteria: LMM Criteria. Collection method: clinical testing. Allele origin: germline. Observed: 19 variant alleles.
Comment: Glu416Glu in exon 10 of CCDC39: This variant is not expected to have clinical si gnificance because it does not alter an amino acid residue and is not located wi thin the splice consensus sequence. It has been identified in 37.7% (1380/3662) of African American chromosomes from a broad population by the NHLBI Exome Seque ncing Project (dbSNP rs2338436).

Breakthrough Genomics
Classification: Benign. Review status: criteria provided, single submitter. Criteria: ACMG Guidelines, 2015. Collection method: not provided. Allele origin: germline. Inheritance: Autosomal recessive inheritance. Affected: yes.

PreventionGenetics, part of Exact Sciences
Classification: Benign. Review status: criteria provided, single submitter. Criteria: ACMG Guidelines, 2015. Collection method: clinical testing. Allele origin: germline.

NM_181426.2(CCDC39):c.1248A>G (p.Glu416=)

Gene: CCDC39 (coiled-coil domain 39 molecular ruler complex subunit; minus strand). Cytogenetic location: 3q26.33.
Variant type: single nucleotide variant.
Coding change: c.1248A>G on transcript NM_181426.2 (MANE Select); coding-DNA position 1248, A replaced by G.
Protein change: p.Glu416=; no amino-acid change (glutamic acid 416 retained).
Molecular consequence: synonymous variant.
Genome position (GRCh38, 1-based): chr3:180,648,279, T>C on the plus strand (A>G on the coding strand, the complement: CCDC39 is on the minus strand). VCF-style: chr3-180648279-T-C. GRCh37 (hg19) VCF-style: chr3-180366067-T-C.
Other names: p.Glu416=.
Identifiers: ClinVar variation 162843 (VCV000162843.27), dbSNP rs2338436, ClinGen allele CA175421.